The following is an entry in ClinVar:

ClinVar aggregate classification (germline): Pathogenic (1 of 4 stars; one submission).

Conditions:
Leber congenital amaurosis 8 (LCA8). Identifiers: Orphanet 65, MedGen C3151202, MONDO:0013453, OMIM 613835.
Retinitis pigmentosa 12 (RP12). Also called: RP WITH OR WITHOUT PRESERVED PARAARTERIOLE RETINAL PIGMENT EPITHELIUM; RETINITIS PIGMENTOSA WITH OR WITHOUT PARAARTERIOLAR PRESERVATION OF RETINAL PIGMENT EPITHELIUM; RP WITH OR WITHOUT PPRPE. Identifiers: Orphanet 791, MedGen C1838647, MONDO:0010818, OMIM 600105.

Submission:

Labcorp Genetics (formerly Invitae), Labcorp
Classification: Pathogenic for Leber congenital amaurosis 8; Retinitis pigmentosa 12. Last evaluated: 2023-03-27. Review status: criteria provided, single submitter. Criteria: Invitae Variant Classification Sherloc (09022015). Collection method: clinical testing. Allele origin: germline.
Comment: For these reasons, this variant has been classified as Pathogenic. Algorithms developed to predict the effect of sequence changes on RNA splicing suggest that this variant may disrupt the consensus splice site. Disruption of this splice site has been observed in individuals with Leber congenital amaurosis (PMID: 30576320, 33970760). This variant is not present in population databases (gnomAD no frequency). This sequence change affects a donor splice site in intron 1 of the CRB1 gene. It is expected to disrupt RNA splicing. Variants that disrupt the donor or acceptor splice site typically lead to a loss of protein function (PMID: 16199547), and loss-of-function variants in CRB1 are known to be pathogenic (PMID: 10508521, 22065545, 23379534, 25412400, 26957898, 28041643, 29391521).

Literature cited by the submitters: PubMed 30576320; PubMed 33970760; PubMed 16199547; PubMed 10508521; PubMed 22065545; PubMed 23379534; PubMed 25412400; PubMed 26957898; PubMed 28041643; PubMed 29391521.

NM_201253.3(CRB1):c.70+1G>C

Gene: CRB1 (crumbs cell polarity complex component 1; plus strand). Cytogenetic location: 1q31.3.
Variant type: single nucleotide variant.
Coding change: c.70+1G>C on transcript NM_201253.3 (MANE Select); the canonical splice donor site of the intron after coding-DNA position 70, G replaced by C.
Molecular consequence: splice donor variant. On other transcripts: intron variant (1).
Genome position (GRCh38, 1-based): chr1:197,268,483, G>C. VCF-style: chr1-197268483-G-C. GRCh37 (hg19) VCF-style: chr1-197237613-G-C.
Other names: c.-212-33957G>C (NM_001257965.2); c.70+1G>C (NM_001257966.2, NM_001193640.2).
Identifiers: ClinVar variation 2945863 (VCV002945863.3), dbSNP rs1237424465, ClinGen allele CA344082565.